The following is an entry in ClinVar:

ClinVar aggregate classification (germline): Likely pathogenic (1 of 4 stars; one submission).

Allele frequency attached by ClinVar (database versions not stated): gnomAD exomes below 0.00001.
gnomAD v4.1: 2 of 1,613,258 alleles (0.00012%); highest among the groups gnomAD compares: Non-Finnish European, 0.00017%; no homozygotes.

Submission:

GeneDx
Classification: Likely pathogenic. Last evaluated: 2014-01-31. Review status: criteria provided, single submitter. Criteria: GeneDx Variant Classification (06012015). Collection method: clinical testing. Allele origin: germline. Affected: yes.
Comment: A novel C77Y missense change that is likely pathogenic was identified in the MTO1 gene. It has not been published as a pathogenic variant, nor has it been reported as a benign polymorphism to our knowledge. The C77Y variant is a non-conservative amino acid substitution as these residues differ in polarity, charge, size and/or other properties and is more likely to impact secondary structure. This substitution occurs at a position in the MTO1 protein that is highly conserved, and multiple in-silico analysis programs predict that C77Y is damaging to the MTO1 protein. Therefore, C77Y is a strong candidate for a pathogenic variant, however the possibility that it is a benign variant cannot be excluded.

NM_012123.4(MTO1):c.230G>A (p.Cys77Tyr)

Gene: MTO1 (mitochondrial tRNA translation optimization 1; plus strand). Cytogenetic location: 6q13.
Variant type: single nucleotide variant.
Coding change: c.230G>A on transcript NM_012123.4 (MANE Select); coding-DNA position 230, G replaced by A.
Protein change: p.Cys77Tyr; replaces cysteine 77 with tyrosine.
Molecular consequence: missense variant.
Genome position (GRCh38, 1-based): chr6:73,466,221, G>A. VCF-style: chr6-73466221-G-A. GRCh37 (hg19) VCF-style: chr6-74175944-G-A.
Other names: c.230G>A, p.Cys77Tyr (NM_001123226.2, NM_133645.3); short protein forms C77Y.
Identifiers: ClinVar variation 418339 (VCV000418339.2), dbSNP rs1064793196, ClinGen allele CA16618303.